The following is an entry in ClinVar:

NM_006231.4(POLE):c.5803T>C (p.Cys1935Arg)

Gene: POLE (DNA polymerase epsilon, catalytic subunit; minus strand). Cytogenetic location: 12q24.33.
Variant type: single nucleotide variant.
Coding change: c.5803T>C on transcript NM_006231.4 (MANE Select); coding-DNA position 5803, T replaced by C.
Protein change: p.Cys1935Arg; replaces cysteine 1935 with arginine.
Molecular consequence: missense variant.
Genome position (GRCh38, 1-based): chr12:132,635,900, A>G on the plus strand (T>C on the coding strand, the complement: POLE is on the minus strand). VCF-style: chr12-132635900-A-G. GRCh37 (hg19) VCF-style: chr12-133212486-A-G.
Other names: short protein forms C1935R.
Identifiers: ClinVar variation 1401745 (VCV001401745.9), dbSNP rs2138484694, ClinGen allele CA387372700.

ClinVar aggregate classification (germline): Uncertain significance. Review status: criteria provided, multiple submitters, no conflicts (2 of 4 stars). 2 submissions from 2 submitters: Uncertain significance (2). Last evaluated 2026-01-21.

Conditions:
Hereditary cancer-predisposing syndrome. Also called: Hereditary Cancer Syndrome; Hereditary neoplastic syndrome; Tumor predisposition; Neoplastic Syndromes, Hereditary. Identifiers: Orphanet 140162, MedGen C0027672, MeSH D009386, MONDO:0015356.

Allele frequency attached by ClinVar (database versions not stated): gnomAD exomes below 0.00001.
gnomAD v4.1: 2 of 1,612,532 alleles (0.00012%); highest among the groups gnomAD compares: Non-Finnish European, 0.000085%; no homozygotes.

Submissions (2):

Labcorp Genetics (formerly Invitae), Labcorp
Classification: Uncertain significance. Last evaluated: 2026-01-21. Review status: criteria provided, single submitter. Criteria: Invitae Variant Classification Sherloc (09022015). Collection method: clinical testing. Allele origin: germline.
Comment: This sequence change replaces cysteine, which is neutral and slightly polar, with arginine, which is basic and polar, at codon 1935 of the POLE protein (p.Cys1935Arg). This variant is not present in population databases (gnomAD no frequency). This variant has not been reported in the literature in individuals affected with POLE-related conditions. ClinVar contains an entry for this variant (Variation ID: 1401745). An algorithm developed to predict the effect of missense changes on protein structure and function outputs the following: PolyPhen-2: "Benign". The arginine amino acid residue is found in multiple mammalian species, which suggests that this missense change does not adversely affect protein function. In summary, the available evidence is currently insufficient to determine the role of this variant in disease. Therefore, it has been classified as a Variant of Uncertain Significance.

Ambry Genetics
Classification: Uncertain significance for Hereditary cancer-predisposing syndrome. Last evaluated: 2023-11-03. Review status: criteria provided, single submitter. Criteria: Ambry Variant Classification Scheme 2023. Collection method: clinical testing. Allele origin: germline.
Comment: The p.C1935R variant (also known as c.5803T>C), located in coding exon 42 of the POLE gene, results from a T to C substitution at nucleotide position 5803. The cysteine at codon 1935 is replaced by arginine, an amino acid with highly dissimilar properties. This amino acid position is conserved. In addition, this alteration is predicted to be tolerated by in silico analysis. Since supporting evidence is limited at this time, the clinical significance of this alteration remains unclear.